The following is an entry in ClinVar:

NM_001204.7(BMPR2):c.440G>C (p.Arg147Pro)

Gene: BMPR2 (bone morphogenetic protein receptor type 2; plus strand). Cytogenetic location: 2q33.2.
Variant type: single nucleotide variant.
Coding change: c.440G>C on transcript NM_001204.7 (MANE Select); coding-DNA position 440, G replaced by C.
Protein change: p.Arg147Pro; replaces arginine 147 with proline.
Molecular consequence: missense variant.
Genome position (GRCh38, 1-based): chr2:202,513,740, G>C. VCF-style: chr2-202513740-G-C. GRCh37 (hg19) VCF-style: chr2-203378463-G-C.
Other names: short protein forms R147P.
Identifiers: ClinVar variation 3824954 (VCV003824954.1).

ClinVar aggregate classification (germline): Uncertain significance (1 of 4 stars; one submission).

Conditions:
Inborn genetic diseases. Identifiers: MedGen C0950123, MeSH D030342.

gnomAD v4.1: 1 of 1,612,496 alleles (0.000062%); highest among the groups gnomAD compares: Non-Finnish European, 0.000085%; no homozygotes.

Submission:

Ambry Genetics
Classification: Uncertain significance for Inborn genetic diseases. Last evaluated: 2025-03-07. Review status: criteria provided, single submitter. Criteria: Ambry Variant Classification Scheme 2023. Collection method: clinical testing. Allele origin: germline.
Comment: The p.R147P variant (also known as c.440G>C), located in coding exon 4 of the BMPR2 gene, results from a G to C substitution at nucleotide position 440. The arginine at codon 147 is replaced by proline, an amino acid with dissimilar properties. This amino acid position is conserved. In addition, the in silico prediction for this alteration is inconclusive. Based on the available evidence, the clinical significance of this variant remains unclear.